The following is an entry in ClinVar:

ClinVar aggregate classification (germline): Uncertain significance (1 of 4 stars; one submission).

gnomAD v4.1: 9 of 1,539,054 alleles (0.00058%); highest among the groups gnomAD compares: South Asian, 0.01%; no homozygotes.

Submission:

Labcorp Genetics (formerly Invitae), Labcorp
Classification: Uncertain significance. Last evaluated: 2023-11-15. Review status: criteria provided, single submitter. Criteria: Invitae Variant Classification Sherloc (09022015). Collection method: clinical testing. Allele origin: germline.
Comment: This sequence change replaces leucine, which is neutral and non-polar, with methionine, which is neutral and non-polar, at codon 304 of the ERBIN protein (p.Leu304Met). The frequency data for this variant in the population databases is considered unreliable, as metrics indicate poor data quality at this position in the gnomAD database. This variant has not been reported in the literature in individuals affected with ERBIN-related conditions. An algorithm developed to predict the effect of missense changes on protein structure and function (PolyPhen-2) suggests that this variant is likely to be disruptive. In summary, the available evidence is currently insufficient to determine the role of this variant in disease. Therefore, it has been classified as a Variant of Uncertain Significance.

NM_001253697.2(ERBIN):c.910C>A (p.Leu304Met)

Gene: ERBIN (erbb2 interacting protein; plus strand). Cytogenetic location: 5q12.3.
Variant type: single nucleotide variant.
Coding change: c.910C>A on transcript NM_001253697.2 (MANE Select); coding-DNA position 910, C replaced by A.
Protein change: p.Leu304Met; replaces leucine 304 with methionine.
Molecular consequence: missense variant.
Genome position (GRCh38, 1-based): chr5:66,025,867, C>A. VCF-style: chr5-66025867-C-A. GRCh37 (hg19) VCF-style: chr5-65321695-C-A.
Other names: c.910C>A, p.Leu304Met (NM_001006600.3, NM_001253698.2, NM_001253699.2 and 2 more transcripts); short protein forms L304M.
Identifiers: ClinVar variation 3002340 (VCV003002340.3), dbSNP rs148121803, ClinGen allele CA3286100.
Genomic context (GRCh38, chr5:66,025,867, plus strand): 5'-ATCTTTAACAAATAATATATATTTCTTTTTTTAAATTAAAGGTTAATATCAGTAGAAGAA[C>A]TGGATTGTAGTTTCAATGAAGTTGAAGCTTTGCCTTCATCTATTGGGCAGCTTACTAACT-3'
Protein context (NP_001240626.1, residues 294-314): SIGGLISVEE[Leu304Met]DCSFNEVEAL